The following is an entry in ClinVar:

NM_001354604.2(MITF):c.1142_1143del (p.Leu381fs)

Gene: MITF (melanocyte inducing transcription factor; plus strand). Cytogenetic location: 3p13.
Variant type: Deletion.
Coding change: c.1142_1143del on transcript NM_001354604.2 (MANE Select); coding-DNA positions 1142 to 1143, 2 bases deleted (TG; older notation c.1142_1143delTG).
Protein change: p.Leu381fs; shifts the reading frame from leucine 381.
Molecular consequence: frameshift variant.
Genome position (GRCh38, 1-based): chr3:69,959,383-69,959,384, TG deleted. VCF-style (leftmost placement, unchanged base first): chr3-69959382-CTG-C. GRCh37 (hg19) VCF-style: chr3-70008533-CTG-C.
Other names: c.821_822del, p.Leu274fs (NM_000248.4); c.968_969del, p.Leu323fs (NM_001184967.2, NM_001354608.2); c.1139_1140del, p.Leu380fs (NM_001354605.2); c.1121_1122del, p.Leu374fs (NM_001354606.2, NM_006722.3); c.1073_1074del, p.Leu358fs (NM_001354607.2); c.803_804del, p.Leu268fs (NM_198158.3); c.1124_1125del, p.Leu375fs (NM_198159.3); c.1076_1077del, p.Leu359fs (NM_198177.3); and 1 more; short protein forms L212fs, L268fs, L274fs, L323fs, L358fs, L359fs, L374fs, L375fs.
Identifiers: ClinVar variation 4529479 (VCV004529479.1).

ClinVar aggregate classification (germline): Likely pathogenic (1 of 4 stars; one submission).

Conditions:
Monogenic hearing loss.

Submission:

Genetics Laboratory, Great Ormond Street Hospital NHS Foundation Trust, North Thames Genomic Laboratory Hub
Classification: Likely pathogenic for Monogenic hearing loss. Last evaluated: 2025-09-19. Review status: criteria provided, single submitter. Criteria: ACGS Best Practice Guidelines for Variant Classification in Rare Disease 2024 v1.2. Collection method: clinical testing. Allele origin: germline. Affected: yes.
Comment: PM2_moderate, PVS1_strong